The following is an entry in ClinVar:

ClinVar aggregate classification (germline): Uncertain significance (1 of 4 stars; one submission).

gnomAD v4.1: 1 of 1,612,074 alleles (0.000062%); highest among the groups gnomAD compares: Middle Eastern, 0.017%; no homozygotes.

Submission:

Labcorp Genetics (formerly Invitae), Labcorp
Classification: Uncertain significance. Last evaluated: 2022-08-20. Review status: criteria provided, single submitter. Criteria: Invitae Variant Classification Sherloc (09022015). Collection method: clinical testing. Allele origin: germline.
Comment: This sequence change replaces glycine, which is neutral and non-polar, with arginine, which is basic and polar, at codon 1587 of the USH2A protein (p.Gly1587Arg). This variant is not present in population databases (gnomAD no frequency). This variant has not been reported in the literature in individuals affected with USH2A-related conditions. Algorithms developed to predict the effect of missense changes on protein structure and function (SIFT, PolyPhen-2, Align-GVGD) all suggest that this variant is likely to be disruptive. Algorithms developed to predict the effect of sequence changes on RNA splicing suggest that this variant may create or strengthen a splice site. In summary, the available evidence is currently insufficient to determine the role of this variant in disease. Therefore, it has been classified as a Variant of Uncertain Significance.

NM_206933.4(USH2A):c.4759G>C (p.Gly1587Arg)

Gene: USH2A (usherin; minus strand). Cytogenetic location: 1q41.
Variant type: single nucleotide variant.
Coding change: c.4759G>C on transcript NM_206933.4 (MANE Select); coding-DNA position 4759, G replaced by C.
Protein change: p.Gly1587Arg; replaces glycine 1587 with arginine.
Molecular consequence: missense variant.
Genome position (GRCh38, 1-based): chr1:216,089,139, C>G on the plus strand (G>C on the coding strand, the complement: USH2A is on the minus strand). VCF-style: chr1-216089139-C-G. GRCh37 (hg19) VCF-style: chr1-216262481-C-G.
Other names: short protein forms G1587R.
Identifiers: ClinVar variation 1986785 (VCV001986785.1), dbSNP rs566642953, ClinGen allele CA344860858.